The following is an entry in ClinVar:

NM_012330.4(KAT6B):c.1216C>T (p.Arg406Trp)

Gene: KAT6B (lysine acetyltransferase 6B; plus strand). Cytogenetic location: 10q22.2.
Variant type: single nucleotide variant.
Coding change: c.1216C>T on transcript NM_012330.4 (MANE Select); coding-DNA position 1216, C replaced by T.
Protein change: p.Arg406Trp; replaces arginine 406 with tryptophan.
Molecular consequence: missense variant. On other transcripts: intron variant (11).
Genome position (GRCh38, 1-based): chr10:74,975,553, C>T. VCF-style: chr10-74975553-C-T. GRCh37 (hg19) VCF-style: chr10-76735311-C-T.
Other names: c.1216C>T (NM_012330.2); c.1216C>T, p.Arg406Trp (NM_001256468.2, NM_001370136.1, NM_001370137.1 and 1 more transcripts); c.1117+99C>T (NM_001370139.1, NM_001370140.1, NM_001370141.1 and 3 more transcripts); c.846+5778C>T (NM_001370133.1); c.193-3671C>T (NM_001370134.1); c.929-1763C>T (NM_001370143.1, NM_001370144.1); c.193-13466C>T (NM_001370135.1); short protein forms R406W.
Identifiers: ClinVar variation 2058842 (VCV002058842.5), dbSNP rs1362389122, ClinGen allele CA377285347.

ClinVar aggregate classification (germline): Uncertain significance. Review status: criteria provided, multiple submitters, no conflicts (2 of 4 stars). 2 submissions from 2 submitters: Uncertain significance (2). Last evaluated 2024-04-24.

Conditions:
Inborn genetic diseases. Identifiers: MedGen C0950123, MeSH D030342.
Genitopatellar syndrome (GTPTS). Also called: Genitopatellar syndrome (GPS); ABSENT PATELLAE, SCROTAL HYPOPLASIA, RENAL ANOMALIES, FACIAL DYSMORPHISM, AND MENTAL RETARDATION. Identifiers: Orphanet 85201, MedGen C1853566, MONDO:0011640, OMIM 606170.

Allele frequency attached by ClinVar (database versions not stated): gnomAD 0.00003.

Submissions (2):

Ambry Genetics
Classification: Uncertain significance for Inborn genetic diseases. Last evaluated: 2024-04-24. Review status: criteria provided, single submitter. Criteria: Ambry Variant Classification Scheme 2023. Collection method: clinical testing. Allele origin: germline.

Labcorp Genetics (formerly Invitae), Labcorp
Classification: Uncertain significance for Genitopatellar syndrome. Last evaluated: 2022-10-17. Review status: criteria provided, single submitter. Criteria: Invitae Variant Classification Sherloc (09022015). Collection method: clinical testing. Allele origin: germline.
Comment: In summary, the available evidence is currently insufficient to determine the role of this variant in disease. Therefore, it has been classified as a Variant of Uncertain Significance. Algorithms developed to predict the effect of missense changes on protein structure and function are either unavailable or do not agree on the potential impact of this missense change (SIFT: "Deleterious"; PolyPhen-2: "Benign"; Align-GVGD: "Class C0"). This variant has not been reported in the literature in individuals affected with KAT6B-related conditions. This variant is not present in population databases (gnomAD no frequency). This sequence change replaces arginine, which is basic and polar, with tryptophan, which is neutral and slightly polar, at codon 406 of the KAT6B protein (p.Arg406Trp).